The following is an entry in ClinVar:

NM_198578.4(LRRK2):c.5312G>T (p.Arg1771Ile)

Gene: LRRK2 (leucine rich repeat kinase 2; plus strand). Cytogenetic location: 12q12.
Variant type: single nucleotide variant.
Coding change: c.5312G>T on transcript NM_198578.4 (MANE Select); coding-DNA position 5312, G replaced by T.
Protein change: p.Arg1771Ile; replaces arginine 1771 with isoleucine.
Molecular consequence: missense variant.
Genome position (GRCh38, 1-based): chr12:40,322,176, G>T. VCF-style: chr12-40322176-G-T. GRCh37 (hg19) VCF-style: chr12-40715978-G-T.
Other names: short protein forms R1771I.
Identifiers: ClinVar variation 1746775 (VCV001746775.2), dbSNP rs2499883985, ClinGen allele CA384420467.
Genomic context (GRCh38, chr12:40,322,176, plus strand): 5'-GATCTGAAGTCTTAGACAATCATCCAGAGAGTTTCTTAAAAATTACAGTTCCTTCTTGTA[G>T]AAAAGGTAAGGAAATCAATTTGAATGTTTTCAATTGCAACACTAAAGAAATTTAAACTTA-3'
Protein context (NP_940980.4, residues 1761-1781): SFLKITVPSC[Arg1771Ile]KGCILLGQVV

ClinVar aggregate classification (germline): Uncertain significance (1 of 4 stars; one submission).

Conditions:
Inborn genetic diseases. Identifiers: MedGen C0950123, MeSH D030342.

Allele frequency attached by ClinVar (database versions not stated): gnomAD exomes below 0.00001.
gnomAD v4.1: 1 of 1,608,986 alleles (0.000062%); highest among the groups gnomAD compares: Middle Eastern, 0.017%; no homozygotes.

Submission:

Ambry Genetics
Classification: Uncertain significance for Inborn genetic diseases. Last evaluated: 2021-12-05. Review status: criteria provided, single submitter. Criteria: Ambry Variant Classification Scheme 2023. Collection method: clinical testing. Allele origin: germline.
Comment: The p.R1771I variant (also known as c.5312G>T), located in coding exon 36 of the LRRK2 gene, results from a G to T substitution at nucleotide position 5312. The arginine at codon 1771 is replaced by isoleucine, an amino acid with similar properties. This amino acid position is conserved. In addition, the in silico prediction for this alteration is inconclusive. Since supporting evidence is limited at this time, the clinical significance of this alteration remains unclear.